The following is an entry in ClinVar:

ClinVar aggregate classification (germline): Pathogenic (1 of 4 stars; one submission).

Conditions:
Hereditary cancer-predisposing syndrome. Also called: Neoplastic Syndromes, Hereditary; Tumor predisposition; Hereditary neoplastic syndrome; Hereditary Cancer Syndrome. Identifiers: Orphanet 140162, MedGen C0027672, MeSH D009386, MONDO:0015356.

Submission:

Ambry Genetics
Classification: Pathogenic for Hereditary cancer-predisposing syndrome. Last evaluated: 2024-03-12. Review status: criteria provided, single submitter. Criteria: Ambry Variant Classification Scheme 2023. Collection method: clinical testing. Allele origin: germline.
Comment: The c.319delA pathogenic mutation, located in coding exon 2 of the TMEM127 gene, results from a deletion of one nucleotide at nucleotide position 319, causing a translational frameshift with a predicted alternate stop codon (p.S107Vfs*17). This alteration occurs at the 3' terminus of theTMEM127 gene, is not expected to trigger nonsense-mediated mRNA decay, and impacts the last 132 amino acids of the protein. However, premature stop codons are typically deleterious in nature and a significant portion of the protein is affected (Ambry internal data). This variant is considered to be rare based on population cohorts in the Genome Aggregation Database (gnomAD). Based on the supporting evidence, this alteration is interpreted as a disease-causing mutation.

NM_017849.4(TMEM127):c.319del (p.Ser107fs)

Gene: TMEM127 (transmembrane protein 127; minus strand). Cytogenetic location: 2q11.2.
Variant type: Deletion.
Coding change: c.319del on transcript NM_017849.4 (MANE Select); coding-DNA position 319, one base deleted (A; older notation c.319delA).
Protein change: p.Ser107fs; shifts the reading frame from serine 107.
Molecular consequence: frameshift variant.
Genome position (GRCh38, 1-based): chr2:96,254,923, T deleted on the plus strand (A on the coding strand, the reverse complement: TMEM127 is on the minus strand). VCF-style (leftmost placement, unchanged base first): chr2-96254922-CT-C. GRCh37 (hg19) VCF-style: chr2-96920660-CT-C.
Other names: c.319del, p.Ser107fs (NM_001193304.3); c.67del, p.Ser23fs (NM_001407282.1, NM_001407283.1); short protein forms S107fs, S23fs.
Identifiers: ClinVar variation 3227072 (VCV003227072.1), dbSNP rs2467266445, ClinGen allele CA2825001172.